The following is an entry in ClinVar:

ClinVar aggregate classification (germline): Likely benign (1 of 4 stars; one submission).

gnomAD v4.1: 357 of 1,538,836 alleles (0.023%); highest among the groups gnomAD compares: African/African-American, 0.43%; no homozygotes.

Submission:

CeGaT Center for Human Genetics Tuebingen
Classification: Likely benign. Last evaluated: 2024-11-01. Review status: criteria provided, single submitter. Criteria: CeGaT Center For Human Genetics Tuebingen Variant Classification Criteria Version 2. Collection method: clinical testing. Allele origin: germline. Affected: yes. Observed: 1 variant allele.
Comment: PIERCE2: BP4, BP7

NM_001198784.2(PIERCE2):c.156A>G (p.Ser52=)

Genes: DNAAF4 (dynein axonemal assembly factor 4; minus strand), DNAAF4-CCPG1 (DNAAF4-CCPG1 readthrough (NMD candidate); minus strand), PIERCE2 (piercer of microtubule wall 2; plus strand). Cytogenetic location: 15q21.3.
Variant type: single nucleotide variant.
Coding change: c.156A>G on transcript NM_001198784.2 (MANE Select); coding-DNA position 156, A replaced by G.
Protein change: p.Ser52=; no amino-acid change (serine 52 retained).
Molecular consequence: synonymous variant. On other transcripts: intron variant (1).
Genome position (GRCh38, 1-based): chr15:55,418,360, A>G. VCF-style: chr15-55418360-A-G. GRCh37 (hg19) VCF-style: chr15-55710558-A-G.
Other names: c.1048-227T>C (NM_001033560.2).
Identifiers: ClinVar variation 3388153 (VCV003388153.14).
Genomic context (GRCh38, chr15:55,418,360, plus strand): 5'-CAATCCTGTGTTTTCATGTATGTTGGATCCAAAGACACTCCAGACAGCCACCTCACTATC[A>G]AAACCTCAAATGATTATGTATAAAACCAATTCAAGTCATTATGGTGAATTTCTACCTATT-3'
Protein context (NP_001185713.1, residues 42-62): PKTLQTATSL[Ser52=]KPQMIMYKTN